The following is an entry in ClinVar:

NM_001042492.3(NF1):c.27G>C (p.Trp9Cys)

Genes: MIR4733HG (MIR4733 host gene; minus strand), NF1 (neurofibromin 1; plus strand), LOC111811965 (NF1 (neurofibromin 1) promoter region; plus strand). Cytogenetic location: 17q11.2.
Variant type: single nucleotide variant.
Coding change: c.27G>C on transcript NM_001042492.3 (MANE Select); coding-DNA position 27, G replaced by C.
Protein change: p.Trp9Cys; replaces tryptophan 9 with cysteine.
Molecular consequence: missense variant. On other transcripts: non-coding transcript variant (1).
Genome position (GRCh38, 1-based): chr17:31,095,336, G>C. VCF-style: chr17-31095336-G-C. GRCh37 (hg19) VCF-style: chr17-29422354-G-C.
Other names: c.27G>C, p.Trp9Cys (NM_000267.4, NM_001128147.3); short protein forms W9C.
Identifiers: ClinVar variation 2846943 (VCV002846943.3), dbSNP rs2143144971, ClinGen allele CA398979270.

ClinVar aggregate classification (germline): Uncertain significance (1 of 4 stars; one submission).

Conditions:
Neurofibromatosis, type 1 (NF1). Also called: Neurofibromatosis, type I; VON RECKLINGHAUSEN DISEASE; NEUROFIBROMATOSIS, TYPE I, SOMATIC; Peripheral type neurofibromatosis. Identifiers: Orphanet 636, MedGen C0027831, MONDO:0018975, OMIM 162200. Disease mechanism: loss of function.

Submission:

Labcorp Genetics (formerly Invitae), Labcorp
Classification: Uncertain significance for Neurofibromatosis, type 1. Last evaluated: 2023-03-18. Review status: criteria provided, single submitter. Criteria: Invitae Variant Classification Sherloc (09022015). Collection method: clinical testing. Allele origin: germline.
Comment: This sequence change replaces tryptophan, which is neutral and slightly polar, with cysteine, which is neutral and slightly polar, at codon 9 of the NF1 protein (p.Trp9Cys). In summary, the available evidence is currently insufficient to determine the role of this variant in disease. Therefore, it has been classified as a Variant of Uncertain Significance. Advanced modeling of protein sequence and biophysical properties (such as structural, functional, and spatial information, amino acid conservation, physicochemical variation, residue mobility, and thermodynamic stability) performed at Invitae indicates that this missense variant is expected to disrupt NF1 protein function. This variant has not been reported in the literature in individuals affected with NF1-related conditions. This variant is not present in population databases (gnomAD no frequency).